The following is an entry in ClinVar:

ClinVar aggregate classification (germline): Uncertain significance. Review status: criteria provided, multiple submitters, no conflicts (2 of 4 stars). 2 submissions from 2 submitters: Uncertain significance (2). Last evaluated 2025-02-19.

Conditions:
Hereditary cancer-predisposing syndrome. Also called: Neoplastic Syndromes, Hereditary; Tumor predisposition; Hereditary Cancer Syndrome; Hereditary neoplastic syndrome. Identifiers: Orphanet 140162, MedGen C0027672, MeSH D009386, MONDO:0015356.

Allele frequency attached by ClinVar (database versions not stated): gnomAD exomes below 0.00001; ExAC 0.00001.
gnomAD v4.1: 1 of 1,611,984 alleles (0.000062%); highest among the groups gnomAD compares: Non-Finnish European, 0.000085%; no homozygotes.

Submissions (2):

Ambry Genetics
Classification: Uncertain significance for Hereditary cancer-predisposing syndrome. Last evaluated: 2025-02-19. Review status: criteria provided, single submitter. Criteria: Ambry Variant Classification Scheme 2023. Collection method: clinical testing. Allele origin: germline.

Labcorp Genetics (formerly Invitae), Labcorp
Classification: Uncertain significance for Hereditary cancer-predisposing syndrome. Last evaluated: 2022-07-29. Review status: criteria provided, single submitter. Criteria: Invitae Variant Classification Sherloc (09022015). Collection method: clinical testing. Allele origin: germline.
Comment: This sequence change replaces lysine, which is basic and polar, with glutamic acid, which is acidic and polar, at codon 628 of the RAD50 protein (p.Lys628Glu). This variant is present in population databases (rs764497795, gnomAD 0.0009%). This variant has not been reported in the literature in individuals affected with RAD50-related conditions. ClinVar contains an entry for this variant (Variation ID: 820247). Algorithms developed to predict the effect of missense changes on protein structure and function (SIFT, PolyPhen-2, Align-GVGD) all suggest that this variant is likely to be tolerated. In summary, the available evidence is currently insufficient to determine the role of this variant in disease. Therefore, it has been classified as a Variant of Uncertain Significance.

NM_005732.4(RAD50):c.1882A>G (p.Lys628Glu)

Gene: RAD50 (RAD50 double strand break repair protein; plus strand). Cytogenetic location: 5q31.1.
Variant type: single nucleotide variant.
Coding change: c.1882A>G on transcript NM_005732.4 (MANE Select); coding-DNA position 1882, A replaced by G.
Protein change: p.Lys628Glu; replaces lysine 628 with glutamic acid.
Molecular consequence: missense variant.
Genome position (GRCh38, 1-based): chr5:132,594,957, A>G. VCF-style: chr5-132594957-A-G. GRCh37 (hg19) VCF-style: chr5-131930649-A-G.
Other names: short protein forms K628E.
Identifiers: ClinVar variation 820247 (VCV000820247.13), dbSNP rs764497795, ClinGen allele CA3405288.